The following is an entry in ClinVar:

NM_025114.4(CEP290):c.214G>T (p.Glu72Ter)

Gene: CEP290 (centrosomal protein 290; minus strand). Cytogenetic location: 12q21.32.
Variant type: single nucleotide variant.
Coding change: c.214G>T on transcript NM_025114.4 (MANE Select); coding-DNA position 214, G replaced by T.
Protein change: p.Glu72Ter; replaces glutamic acid 72 with a stop codon.
Molecular consequence: nonsense.
Genome position (GRCh38, 1-based): chr12:88,139,531, C>A on the plus strand (G>T on the coding strand, the complement: CEP290 is on the minus strand). VCF-style: chr12-88139531-C-A. GRCh37 (hg19) VCF-style: chr12-88533308-C-A.
Other names: short protein forms E72*.
Identifiers: ClinVar variation 2137398 (VCV002137398.4), dbSNP rs1292246271, ClinGen allele CA385989259.

ClinVar aggregate classification (germline): Pathogenic (1 of 4 stars; one submission).

Conditions:
Joubert syndrome. Also called: CEREBELLOPARENCHYMAL DISORDER IV; JOUBERT-BOLTSHAUSER SYNDROME; Familial aplasia of the vermis. Identifiers: Orphanet 475, MedGen C5979921, MONDO:0018772.
Nephronophthisis. Also called: Juvenile Nephronophthisis. Identifiers: Orphanet 655, MedGen C0687120, MONDO:0019005, HP:0000090.
Meckel-Gruber syndrome. Also called: DYSENCEPHALIA SPLANCHNOCYSTICA; GRUBER SYNDROME; Dysencephalia splachnocystica. Identifiers: Orphanet 564, MedGen C0265215, MONDO:0018921.

Allele frequency attached by ClinVar (database versions not stated): gnomAD exomes below 0.00001.
gnomAD v4.1: 5 of 1,596,050 alleles (0.00031%); highest among the groups gnomAD compares: Non-Finnish European, 0.00043%; no homozygotes.

Submission:

Labcorp Genetics (formerly Invitae), Labcorp
Classification: Pathogenic for Joubert syndrome; Meckel-Gruber syndrome; Nephronophthisis. Last evaluated: 2022-09-28. Review status: criteria provided, single submitter. Criteria: Invitae Variant Classification Sherloc (09022015). Collection method: clinical testing. Allele origin: germline.
Comment: For these reasons, this variant has been classified as Pathogenic. This premature translational stop signal has been observed in individual(s) with CEP290-related conditions (PMID: 23034536). This variant is not present in population databases (gnomAD no frequency). This sequence change creates a premature translational stop signal (p.Glu72*) in the CEP290 gene. It is expected to result in an absent or disrupted protein product. Loss-of-function variants in CEP290 are known to be pathogenic (PMID: 16909394, 17345604, 20690115).

Literature cited by the submitters: PubMed 23034536; PubMed 16909394; PubMed 17345604; PubMed 20690115.